The following is an entry in ClinVar:

ClinVar aggregate classification (germline): Uncertain significance (1 of 4 stars; one submission).

Submission:

Labcorp Genetics (formerly Invitae), Labcorp
Classification: Uncertain significance. Last evaluated: 2022-03-05. Review status: criteria provided, single submitter. Criteria: Invitae Variant Classification Sherloc (09022015). Collection method: clinical testing. Allele origin: germline.
Comment: In summary, the available evidence is currently insufficient to determine the role of this variant in disease. Therefore, it has been classified as a Variant of Uncertain Significance. Algorithms developed to predict the effect of missense changes on protein structure and function (SIFT, PolyPhen-2, Align-GVGD) all suggest that this variant is likely to be disruptive. This variant has not been reported in the literature in individuals affected with SLC18A2-related conditions. This variant is not present in population databases (gnomAD no frequency). This sequence change replaces glycine, which is neutral and non-polar, with arginine, which is basic and polar, at codon 150 of the SLC18A2 protein (p.Gly150Arg).

NM_003054.6(SLC18A2):c.448G>C (p.Gly150Arg)

Gene: SLC18A2 (solute carrier family 18 member A2; plus strand). Cytogenetic location: 10q25.3.
Variant type: single nucleotide variant.
Coding change: c.448G>C on transcript NM_003054.6 (MANE Select); coding-DNA position 448, G replaced by C.
Protein change: p.Gly150Arg; replaces glycine 150 with arginine.
Molecular consequence: missense variant.
Genome position (GRCh38, 1-based): chr10:117,244,297, G>C. VCF-style: chr10-117244297-G-C. GRCh37 (hg19) VCF-style: chr10-119003808-G-C.
Other names: short protein forms G150R.
Identifiers: ClinVar variation 2107135 (VCV002107135.4), dbSNP rs199997169, ClinGen allele CA378510568.